The following is an entry in ClinVar:

ClinVar aggregate classification (germline): Conflicting classifications of pathogenicity. Review status: criteria provided, conflicting classifications (1 of 4 stars). 7 submissions from 7 submitters: Uncertain significance (3); Likely benign (2). 2 of the submissions do not count toward it. Last evaluated 2026-01-28.

Conditions:
Galactosylceramide beta-galactosidase deficiency. Also called: GALACTOCEREBROSIDASE DEFICIENCY; GALC DEFICIENCY; GLOBOID CELL LEUKOENCEPHALOPATHY; Krabbe Disease; Leukodystrophy, Globoid Cell. Identifiers: Orphanet 487, MedGen C0023521, MONDO:0009499, OMIM 245200.
GALC-related disorder. Also called: GALC-related condition.

Allele frequency attached by ClinVar (database versions not stated): gnomAD exomes 0.00021 and 0.00051; ExAC 0.00068; 1000 Genomes Project 30x 0.00187; 1000 Genomes Project 0.00200; gnomAD 0.00231 and 0.00248; TOPMed 0.00254; ESP Exome Variant Server 0.00280.
gnomAD v4.1: 678 of 1,613,492 alleles (0.042%); highest among the groups gnomAD compares: African/African-American, 0.83%; 2 homozygotes.

Submissions (7):

Labcorp Genetics (formerly Invitae), Labcorp
Classification: Likely benign for Galactosylceramide beta-galactosidase deficiency. Last evaluated: 2026-01-28. Review status: criteria provided, single submitter. Criteria: Invitae Variant Classification Sherloc (09022015). Collection method: clinical testing. Allele origin: germline.

Mayo Clinic Laboratories, Mayo Clinic
Classification: Uncertain significance. Last evaluated: 2025-05-12. Review status: criteria provided, single submitter. Criteria: ACMG Guidelines, 2015. Collection method: clinical testing. Allele origin: germline. Observed: 3 variant alleles.
Comment: BS1, PP3

Blueprint Genetics
Classification: Uncertain significance. Last evaluated: 2024-09-18. Review status: criteria provided, single submitter. Criteria: ACMG Guidelines, 2015. Collection method: clinical testing. Allele origin: germline.

Baylor Genetics
Classification: Uncertain significance for Galactosylceramide beta-galactosidase deficiency. Last evaluated: 2018-09-27. Review status: criteria provided, single submitter. Criteria: ACMG Guidelines, 2015. Collection method: clinical testing. Allele origin: unknown. Affected: yes.
Comment: This variant was determined to be of uncertain significance according to ACMG Guidelines, 2015 [PMID:25741868].

Illumina Laboratory Services, Illumina
Classification: Likely benign for Galactosylceramide beta-galactosidase deficiency. Last evaluated: 2018-01-13. Review status: criteria provided, single submitter. Criteria: ICSL Variant Classification Criteria 13 December 2019. Collection method: clinical testing. Allele origin: germline.
Comment: This variant was observed in the ICSL laboratory as part of a predisposition screen in an ostensibly healthy population. It had not been previously curated by ICSL or reported in the Human Gene Mutation Database (HGMD: prior to June 1st, 2018), and was therefore a candidate for classification through an automated scoring system. Utilizing variant allele frequency, disease prevalence and penetrance estimates, and inheritance mode, an automated score was calculated to assess if this variant is too frequent to cause the disease. Based on the score and internal cut-off values, a variant classified as likely benign is not then subjected to further curation. The score for this variant resulted in a classification of likely benign for this disease.

PreventionGenetics, part of Exact Sciences
Classification: Likely benign for GALC-related condition. Last evaluated: 2020-05-28. Review status: no assertion criteria provided. Collection method: clinical testing. Allele origin: germline. Not counted in ClinVar's aggregate classification.
Comment: This variant is classified as likely benign based on ACMG/AMP sequence variant interpretation guidelines (Richards et al. 2015 PMID: 25741868, with internal and published modifications).

Natera, Inc.
Classification: Uncertain significance for Galactosylceramide beta-galactosidase deficiency. Last evaluated: 2020-04-18. Review status: no assertion criteria provided. Collection method: clinical testing. Allele origin: germline. Not counted in ClinVar's aggregate classification.

NM_000153.4(GALC):c.997G>A (p.Gly333Arg)

Gene: GALC (galactosylceramidase; minus strand). Cytogenetic location: 14q31.3.
Variant type: single nucleotide variant.
Coding change: c.997G>A on transcript NM_000153.4 (MANE Select); coding-DNA position 997, G replaced by A.
Protein change: p.Gly333Arg; replaces glycine 333 with arginine.
Molecular consequence: missense variant.
Genome position (GRCh38, 1-based): chr14:87,965,541, C>T on the plus strand (G>A on the coding strand, the complement: GALC is on the minus strand). VCF-style: chr14-87965541-C-T. GRCh37 (hg19) VCF-style: chr14-88431885-C-T.
Other names: p.Gly333Arg; c.928G>A, p.Gly310Arg (NM_001201401.2); c.919G>A, p.Gly307Arg (NM_001201402.2); short protein forms G333R, G310R, G307R.
Identifiers: ClinVar variation 314753 (VCV000314753.31), dbSNP rs190921137, ClinGen allele CA7297185.